The following is an entry in ClinVar:

NM_004984.4(KIF5A):c.715-4G>C

Gene: KIF5A (kinesin family member 5A; plus strand). Cytogenetic location: 12q13.3.
Variant type: single nucleotide variant.
Coding change: c.715-4G>C on transcript NM_004984.4 (MANE Select); 4 bases into the intron before coding-DNA position 715, G replaced by C.
Molecular consequence: intron variant.
Genome position (GRCh38, 1-based): chr12:57,568,959, G>C. VCF-style: chr12-57568959-G-C. GRCh37 (hg19) VCF-style: chr12-57962742-G-C.
Other names: c.448-4G>C (NM_001354705.2).
Identifiers: ClinVar variation 3349519 (VCV003349519.3).

ClinVar aggregate classification (germline): Likely benign. Review status: criteria provided, single submitter (1 of 4 stars). 2 submissions from 2 submitters: Likely benign (1). 1 of the submissions does not count toward it. Last evaluated 2025-08-30.

Conditions:
Spastic paraplegia. Identifiers: MedGen C0037772, HP:0001258.
KIF5A-related disorder. Also called: KIF5A-related disorders; KIF5A-related condition.

gnomAD v4.1: 3 of 1,607,544 alleles (0.00019%); highest among the groups gnomAD compares: Non-Finnish European, 0.00026%; no homozygotes.

Submissions (2):

Labcorp Genetics (formerly Invitae), Labcorp
Classification: Likely benign for Spastic paraplegia. Last evaluated: 2025-08-30. Review status: criteria provided, single submitter. Criteria: Invitae Variant Classification Sherloc (09022015). Collection method: clinical testing. Allele origin: germline.

PreventionGenetics, part of Exact Sciences
Classification: Likely benign for KIF5A-related condition. Last evaluated: 2024-03-01. Review status: no assertion criteria provided. Collection method: clinical testing. Allele origin: germline. Not counted in ClinVar's aggregate classification.
Comment: This variant is classified as likely benign based on ACMG/AMP sequence variant interpretation guidelines (Richards et al. 2015 PMID: 25741868, with internal and published modifications).